The following is an entry in ClinVar:

ClinVar aggregate classification (germline): Uncertain significance (1 of 4 stars; one submission).

Allele frequency attached by ClinVar (database versions not stated): TOPMed below 0.00001; gnomAD 0.00001; gnomAD exomes 0.00001 and 0.00002; ExAC 0.00003; ESP Exome Variant Server 0.00008.
gnomAD v4.1: 8 of 1,614,020 alleles (0.0005%); highest among the groups gnomAD compares: East Asian, 0.0022%; no homozygotes.

Submission:

Labcorp Genetics (formerly Invitae), Labcorp
Classification: Uncertain significance. Last evaluated: 2023-11-27. Review status: criteria provided, single submitter. Criteria: Invitae Variant Classification Sherloc (09022015). Collection method: clinical testing. Allele origin: germline.
Comment: This sequence change replaces valine, which is neutral and non-polar, with methionine, which is neutral and non-polar, at codon 99 of the LAMTOR2 protein (p.Val99Met). This variant is present in population databases (rs145894895, gnomAD 0.006%). This variant has not been reported in the literature in individuals affected with LAMTOR2-related conditions. ClinVar contains an entry for this variant (Variation ID: 1025333). An algorithm developed to predict the effect of missense changes on protein structure and function (PolyPhen-2) suggests that this variant is likely to be disruptive. In summary, the available evidence is currently insufficient to determine the role of this variant in disease. Therefore, it has been classified as a Variant of Uncertain Significance.

NM_014017.4(LAMTOR2):c.295G>A (p.Val99Met)

Gene: LAMTOR2 (late endosomal/lysosomal adaptor, MAPK and MTOR activator 2; plus strand). Cytogenetic location: 1q22.
Variant type: single nucleotide variant.
Coding change: c.295G>A on transcript NM_014017.4 (MANE Select); coding-DNA position 295, G replaced by A.
Protein change: p.Val99Met; replaces valine 99 with methionine.
Molecular consequence: missense variant. On other transcripts: intron variant (1).
Genome position (GRCh38, 1-based): chr1:156,058,041, G>A. VCF-style: chr1-156058041-G-A. GRCh37 (hg19) VCF-style: chr1-156027832-G-A.
Other names: c.232-274G>A (NM_001145264.2); short protein forms V99M.
Identifiers: ClinVar variation 1025333 (VCV001025333.8), dbSNP rs145894895, ClinGen allele CA1154361.
Genomic context (GRCh38, chr1:156,058,041, plus strand): 5'-GGCCGTGTAGCCATCACCCGAGTGGCCAACCTTCTGCTGTGTATGTATGCCAAGGAGACC[G>A]TGGGCTTTGGAATGCTCAAGGCCAAGGTGTGTATGTGCCCATCCCTCCATAGCCCTGGGC-3'
Protein context (NP_054736.1, residues 89-109): LLLCMYAKET[Val99Met]GFGMLKAKAQ